The following is an entry in ClinVar:

ClinVar aggregate classification (germline): Benign. Review status: criteria provided, multiple submitters, no conflicts (2 of 4 stars). 3 submissions from 3 submitters: Benign (3). Last evaluated 2026-02-01.

Allele frequency attached by ClinVar (database versions not stated): gnomAD 0.04197 and 0.04277; gnomAD exomes 0.04535 and 0.04651; ExAC 0.04734; 1000 Genomes Project 0.04752; ESP Exome Variant Server 0.04815.
gnomAD v4.1: 74,265 of 1,609,014 alleles (4.6%); highest among the groups gnomAD compares: South Asian, 8.8%; 1,868 homozygotes.

Submissions (3):

Labcorp Genetics (formerly Invitae), Labcorp
Classification: Benign. Last evaluated: 2026-02-01. Review status: criteria provided, single submitter. Criteria: Invitae Variant Classification Sherloc (09022015). Collection method: clinical testing. Allele origin: germline.

GeneDx
Classification: Benign. Last evaluated: 2018-06-16. Review status: criteria provided, single submitter. Criteria: GeneDx Variant Classification (06012015). Collection method: clinical testing. Allele origin: germline. Affected: yes.
Comment: This variant is considered likely benign or benign based on one or more of the following criteria: it is a conservative change, it occurs at a poorly conserved position in the protein, it is predicted to be benign by multiple in silico algorithms, and/or has population frequency not consistent with disease.

Breakthrough Genomics
Classification: Benign. Review status: criteria provided, single submitter. Criteria: ACMG Guidelines, 2015. Collection method: not provided. Allele origin: germline. Inheritance: Autosomal recessive inheritance. Affected: yes.

NM_001039141.3(TRIOBP):c.1979C>T (p.Ala660Val)

Gene: TRIOBP (TRIO and F-actin binding protein; plus strand). Cytogenetic location: 22q13.1.
Variant type: single nucleotide variant.
Coding change: c.1979C>T on transcript NM_001039141.3 (MANE Select); coding-DNA position 1979, C replaced by T.
Protein change: p.Ala660Val; replaces alanine 660 with valine.
Molecular consequence: missense variant.
Genome position (GRCh38, 1-based): chr22:37,724,535, C>T. VCF-style: chr22-37724535-C-T. GRCh37 (hg19) VCF-style: chr22-38120542-C-T.
Other names: short protein forms A660V.
Identifiers: ClinVar variation 681083 (VCV000681083.9), dbSNP rs142024473, ClinGen allele CA10223751.